The following is an entry in ClinVar:

ClinVar aggregate classification (germline): Uncertain significance (1 of 4 stars; one submission).

Submission:

GeneDx
Classification: Uncertain significance. Last evaluated: 2022-07-07. Review status: criteria provided, single submitter. Criteria: GeneDx Variant Classification Process June 2021. Collection method: clinical testing. Allele origin: germline. Affected: yes.
Comment: Not observed at significant frequency in large population cohorts (gnomAD); In-frame deletion of 3 amino acids in a non-repeat region; In silico analysis supports a deleterious effect on protein structure/function; Has not been previously published as pathogenic or benign to our knowledge

NM_005883.3(APC2):c.2515_2523del (p.Val839_Ala841del)

Gene: APC2 (APC regulator of WNT signaling pathway 2; plus strand). Cytogenetic location: 19p13.3.
Variant type: Deletion.
Coding change: c.2515_2523del on transcript NM_005883.3 (MANE Select); coding-DNA positions 2515 to 2523, 9 bases deleted (GTGGCGGCC; older notation c.2515_2523delGTGGCGGCC).
Protein change: p.Val839_Ala841del.
Molecular consequence: inframe deletion.
Genome position (GRCh38, 1-based): chr19:1,465,816-1,465,824, GTGGCGGCC deleted; deleting any 9 consecutive bases within chr19:1,465,813-1,465,824 gives the same sequence; the c. name uses the placement nearest the transcript's 3' end. VCF-style (leftmost placement, unchanged base first): chr19-1465812-AGCCGTGGCG-A. GRCh37 (hg19) VCF-style: chr19-1465811-AGCCGTGGCG-A.
Other names: c.2512_2520del, p.Val838_Ala840del (NM_001351273.1).
Identifiers: ClinVar variation 1810610 (VCV001810610.1), dbSNP rs2512515933, ClinGen allele CA2580096050.